The following is an entry in ClinVar:

ClinVar aggregate classification (germline): Uncertain significance (1 of 4 stars; one submission).

Submission:

GeneDx
Classification: Uncertain significance. Last evaluated: 2019-06-20. Review status: criteria provided, single submitter. Criteria: GeneDx Variant Classification Process June 2021. Collection method: clinical testing. Allele origin: germline. Affected: yes.
Comment: Not observed in large population cohorts (Lek et al., 2016); Frameshift variant predicted to result in protein extension as the last 6 amino acids are lost and replaced with 48 incorrect amino acids, although loss-of-function variants have not been reported downstream of this position in the protein; Has not been previously published as pathogenic or benign to our knowledge

NM_024298.5(MBOAT7):c.1399dup (p.Glu467fs)

Gene: MBOAT7 (membrane bound O-acyltransferase domain containing 7; minus strand). Cytogenetic location: 19q13.42.
Variant type: Indel.
Coding change: c.1399dup on transcript NM_024298.5 (MANE Select); coding-DNA position 1399, one base duplicated (G; older notation c.1399dupG).
Protein change: p.Glu467fs; shifts the reading frame from glutamic acid 467.
Molecular consequence: frameshift variant.
Genome position (GRCh38, 1-based): chr19:54,174,064, C duplicated on the plus strand (G on the coding strand, the reverse complement: MBOAT7 is on the minus strand); the first of 2 consecutive C bases (chr19:54,174,064-54,174,065); duplicating either gives the same sequence. VCF-style (leftmost placement, unchanged base first): chr19-54174063-T-TC. GRCh37 (hg19) VCF-style: chr19-54677759-T-CC.
Other names: c.1180dup, p.Glu394fs (NM_001146056.3, NM_001146083.3); short protein forms E394fs, E467fs.
Identifiers: ClinVar variation 1306241 (VCV001306241.2), dbSNP rs1180848125, ClinGen allele CA883563574.